The following is an entry in ClinVar:

ClinVar aggregate classification (germline): Uncertain significance (1 of 4 stars; one submission).

Conditions:
Inborn genetic diseases. Identifiers: MedGen C0950123, MeSH D030342.

Submission:

Ambry Genetics
Classification: Uncertain significance for Inborn genetic diseases. Last evaluated: 2026-05-02. Review status: criteria provided, single submitter. Criteria: Ambry Variant Classification Scheme 2023. Collection method: clinical testing. Allele origin: germline.
Comment: The p.H1248D variant (also known as c.3742C>G), located in coding exon 14 of the FANCM gene, results from a C to G substitution at nucleotide position 3742. The histidine at codon 1248 is replaced by aspartic acid, an amino acid with similar properties. This amino acid position is conserved. In addition, this alteration is predicted to be tolerated by in silico analysis. Based on the available evidence, the clinical significance of this variant remains unclear.

NM_020937.4(FANCM):c.3742C>G (p.His1248Asp)

Gene: FANCM (FA complementation group M; plus strand). Cytogenetic location: 14q21.2.
Variant type: single nucleotide variant.
Coding change: c.3742C>G on transcript NM_020937.4 (MANE Select); coding-DNA position 3742, C replaced by G.
Protein change: p.His1248Asp; replaces histidine 1248 with aspartic acid.
Molecular consequence: missense variant.
Genome position (GRCh38, 1-based): chr14:45,176,496, C>G. VCF-style: chr14-45176496-C-G. GRCh37 (hg19) VCF-style: chr14-45645699-C-G.
Other names: c.3664C>G, p.His1222Asp (NM_001308133.2); short protein forms H1222D, H1248D.
Identifiers: ClinVar variation 4871117 (VCV004871117.1).